The following is an entry in ClinVar:

NM_000540.3(RYR1):c.4998_4999delinsAA (p.Arg1667Ser)

Gene: RYR1 (ryanodine receptor 1; plus strand). Cytogenetic location: 19q13.2.
Variant type: Indel.
Coding change: c.4998_4999delinsAA on transcript NM_000540.3 (MANE Select); coding-DNA positions 4998 to 4999, GC replaced by AA.
Protein change: p.Arg1667Ser; replaces arginine 1667 with serine.
Molecular consequence: missense variant.
Genome position (GRCh38, 1-based): chr19:38,485,653-38,485,654, GC replaced by AA. VCF-style: chr19-38485653-GC-AA. GRCh37 (hg19) VCF-style: chr19-38976293-GC-AA.
Other names: c.4998_4999delinsAA, p.Arg1667Ser (NM_001042723.2); short protein forms R1667S.
Identifiers: ClinVar variation 3637854 (VCV003637854.2).

ClinVar aggregate classification (germline): Uncertain significance (1 of 4 stars; one submission).

Conditions:
RYR1-related disorder. Also called: RYR1-related condition; RYR1-related disorders. Identifiers: MedGen CN239331.

Submission:

Labcorp Genetics (formerly Invitae), Labcorp
Classification: Uncertain significance for RYR1-related disorder. Last evaluated: 2024-12-26. Review status: criteria provided, single submitter. Criteria: Invitae Variant Classification Sherloc (09022015). Collection method: clinical testing. Allele origin: germline.
Comment: This sequence change replaces arginine, which is basic and polar, with serine, which is neutral and polar, at codon 1667 of the RYR1 protein (p.Arg1667Ser). Information on the frequency of this variant in the gnomAD database is not available, as this variant may be reported differently in the database. This variant has not been reported in the literature in individuals affected with RYR1-related conditions. Experimental studies and prediction algorithms are not available or were not evaluated, and the functional significance of this variant is currently unknown. In summary, the available evidence is currently insufficient to determine the role of this variant in disease. Therefore, it has been classified as a Variant of Uncertain Significance.